The following is an entry in ClinVar:

NM_016373.4(WWOX):c.-27G>C

Gene: WWOX (WW domain containing oxidoreductase; plus strand). Cytogenetic location: 16q23.1.
Variant type: single nucleotide variant.
Coding change: c.-27G>C on transcript NM_016373.4 (MANE Select); 27 bases upstream of the start codon, G replaced by C.
Molecular consequence: 5 prime UTR variant. On other transcripts: non-coding transcript variant (2).
Genome position (GRCh38, 1-based): chr16:78,099,752, G>C. VCF-style: chr16-78099752-G-C. GRCh37 (hg19) VCF-style: chr16-78133649-G-C.
Other names: c.-301G>C (NM_001291997.2); c.-27G>C (NM_130791.5).
Identifiers: ClinVar variation 387468 (VCV000387468.1), dbSNP rs570978891, ClinGen allele CA8182963.

ClinVar aggregate classification (germline): Likely benign (1 of 4 stars; one submission).

Allele frequency attached by ClinVar (database versions not stated): TOPMed 0.00011.
gnomAD v4.1: 75 of 1,524,082 alleles (0.0049%); highest among the groups gnomAD compares: African/African-American, 0.025%; no homozygotes.

Submission:

GeneDx
Classification: Likely benign. Last evaluated: 2016-07-06. Review status: criteria provided, single submitter. Criteria: GeneDx Variant Classification (06012015). Collection method: clinical testing. Allele origin: germline. Affected: yes.
Comment: This variant is considered likely benign or benign based on one or more of the following criteria: it is a conservative change, it occurs at a poorly conserved position in the protein, it is predicted to be benign by multiple in silico algorithms, and/or has population frequency not consistent with disease.